The following is an entry in ClinVar:

NM_016373.4(WWOX):c.410-3T>C

Gene: WWOX (WW domain containing oxidoreductase; plus strand). Cytogenetic location: 16q23.1.
Variant type: single nucleotide variant.
Coding change: c.410-3T>C on transcript NM_016373.4 (MANE Select); 3 bases into the intron before coding-DNA position 410, T replaced by C.
Molecular consequence: intron variant.
Genome position (GRCh38, 1-based): chr16:78,164,180, T>C. VCF-style: chr16-78164180-T-C. GRCh37 (hg19) VCF-style: chr16-78198077-T-C.
Other names: c.71-3T>C (NM_001291997.2); c.410-3T>C (NM_130791.5).
Identifiers: ClinVar variation 388457 (VCV000388457.7), dbSNP rs201178351, ClinGen allele CA8183207.

ClinVar aggregate classification (germline): Conflicting classifications of pathogenicity. Review status: criteria provided, conflicting classifications (1 of 4 stars). 2 submissions from 2 submitters: Uncertain significance (1); Likely benign (1). Last evaluated 2022-08-10.

Conditions:
Autosomal recessive spinocerebellar ataxia 12. Also called: SPINOCEREBELLAR ATAXIA WITH MENTAL RETARDATION AND EPILEPSY. Identifiers: Orphanet 284282, MedGen C3280452, MONDO:0013687, OMIM 614322.
Developmental and epileptic encephalopathy, 1 (DEE1). Also called: Epileptic encephalopathy, early infantile, 1; X-linked infantile spasms; West's syndrome; Tonic spasms with clustering, arrest of psychomotor development and hypsarrhythmia on EEG; X-Linked Infantile Spasm Syndrome; OHTAHARA SYNDROME, X-LINKED. Identifiers: MedGen C3463992, MONDO:0010632, OMIM 308350. Disease mechanism: loss of function.

Allele frequency attached by ClinVar (database versions not stated): ExAC 0.00001; gnomAD 0.00002 and 0.00003; TOPMed 0.00003.
gnomAD v4.1: 53 of 1,613,612 alleles (0.0033%); highest among the groups gnomAD compares: Admixed American, 0.005%; no homozygotes.

Submissions (2):

Labcorp Genetics (formerly Invitae), Labcorp
Classification: Uncertain significance for Developmental and epileptic encephalopathy, 1; Autosomal recessive spinocerebellar ataxia 12. Last evaluated: 2022-08-10. Review status: criteria provided, single submitter. Criteria: Invitae Variant Classification Sherloc (09022015). Collection method: clinical testing. Allele origin: germline.
Comment: This sequence change falls in intron 4 of the WWOX gene. It does not directly change the encoded amino acid sequence of the WWOX protein. It affects a nucleotide within the consensus splice site. This variant is present in population databases (rs201178351, gnomAD 0.007%). This variant has not been reported in the literature in individuals affected with WWOX-related conditions. ClinVar contains an entry for this variant (Variation ID: 388457). Variants that disrupt the consensus splice site are a relatively common cause of aberrant splicing (PMID: 17576681, 9536098). Algorithms developed to predict the effect of sequence changes on RNA splicing suggest that this variant is not likely to affect RNA splicing. In summary, the available evidence is currently insufficient to determine the role of this variant in disease. Therefore, it has been classified as a Variant of Uncertain Significance.

GeneDx
Classification: Likely benign. Last evaluated: 2016-08-09. Review status: criteria provided, single submitter. Criteria: GeneDx Variant Classification (06012015). Collection method: clinical testing. Allele origin: germline. Affected: yes.
Comment: This variant is considered likely benign or benign based on one or more of the following criteria: it is a conservative change, it occurs at a poorly conserved position in the protein, it is predicted to be benign by multiple in silico algorithms, and/or has population frequency not consistent with disease.

Literature cited by the submitters: PubMed 17576681 (cited by Labcorp Genetics (formerly Invitae), Labcorp); PubMed 9536098 (cited by Labcorp Genetics (formerly Invitae), Labcorp).